The following is an entry in ClinVar:

ClinVar aggregate classification (germline): Uncertain significance. Review status: criteria provided, multiple submitters, no conflicts (2 of 4 stars). 4 submissions from 4 submitters: Uncertain significance (4). Last evaluated 2025-09-01.

Conditions:
Hereditary cancer-predisposing syndrome. Also called: Tumor predisposition; Hereditary neoplastic syndrome; Neoplastic Syndromes, Hereditary; Hereditary Cancer Syndrome. Identifiers: Orphanet 140162, MedGen C0027672, MeSH D009386, MONDO:0015356.
Hereditary breast ovarian cancer syndrome. Also called: Hereditary breast and ovarian cancer; BRCA1- and BRCA2-Associated Hereditary Breast and Ovarian Cancer; Hereditary breast and/or ovarian cancer syndrome; Hereditary breast and ovarian cancer syndrome; Hereditary breast and ovarian cancer syndrome (HBOC); Breast and ovarian cancer. Identifiers: Orphanet 145, MedGen C0677776, MeSH D061325, MONDO:0003582. Disease mechanism: loss of function.
Breast-ovarian cancer, familial, susceptibility to, 2 (BROVCA2). Also called: BRCA2 Hereditary Breast and Ovarian Cancer. Identifiers: Orphanet 145, MedGen C2675520, MONDO:0012933, OMIM 612555. Disease mechanism: loss of function.

Submissions (4):

Labcorp Genetics (formerly Invitae), Labcorp
Classification: Uncertain significance for Hereditary breast ovarian cancer syndrome. Last evaluated: 2025-09-01. Review status: criteria provided, single submitter. Criteria: Invitae Variant Classification Sherloc (09022015). Collection method: clinical testing. Allele origin: germline.
Comment: This variant, c.3835_3837del, results in the deletion of 1 amino acid(s) of the BRCA2 protein (p.Asn1279del), but otherwise preserves the integrity of the reading frame. This variant is not present in population databases (gnomAD no frequency). This variant has not been reported in the literature in individuals affected with BRCA2-related conditions. ClinVar contains an entry for this variant (Variation ID: 220287). In summary, the available evidence is currently insufficient to determine the role of this variant in disease. Therefore, it has been classified as a Variant of Uncertain Significance.

Color Diagnostics, LLC DBA Color Health
Classification: Uncertain significance for Hereditary cancer-predisposing syndrome. Last evaluated: 2024-12-16. Review status: criteria provided, single submitter. Criteria: ACMG Guidelines, 2015. Collection method: clinical testing. Allele origin: germline.
Comment: This variant causes an in-frame deletion of one amino acid, asparagine 1279, in the BRCA2 protein. To our knowledge, functional studies have not been reported for this variant. This variant has not been reported in individuals affected with BRCA2-related disorders in the literature. This variant has not been identified in the general population by the Genome Aggregation Database (gnomAD). The available evidence is insufficient to determine the role of this variant in disease conclusively. Therefore, this variant is classified as a Variant of Uncertain Significance.

All of Us Research Program, National Institutes of Health
Classification: Uncertain significance for Breast-ovarian cancer, familial, susceptibility to, 2. Last evaluated: 2024-01-08. Review status: criteria provided, single submitter. Criteria: ACMG Guidelines, 2015. Collection method: clinical testing. Allele origin: germline. Inheritance: Autosomal dominant inheritance. Observed: 1 variant allele, 1 heterozygote.
Comment: This variant causes an in-frame deletion of one amino acid, asparagine 1279, in the BRCA2 protein. To our knowledge, functional studies have not been reported for this variant. This variant has not been reported in individuals affected with BRCA2-related disorders in the literature. This variant has not been identified in the general population by the Genome Aggregation Database (gnomAD). The available evidence is insufficient to determine the role of this variant in disease conclusively. Therefore, this variant is classified as a Variant of Uncertain Significance.

This study involves interpretation of variants in research participants for the purpose of population health screening. Participant phenotype was not available at the time of variant classification. Additional details can be found in publication PMID: 35346344, PMCID: PMC8962531

Ambry Genetics
Classification: Uncertain significance for Hereditary cancer-predisposing syndrome. Last evaluated: 2023-02-06. Review status: criteria provided, single submitter. Criteria: Ambry Variant Classification Scheme 2023. Collection method: clinical testing. Allele origin: germline.
Comment: The c.3835_3837delAAT variant (also known as p.N1279del) is located in coding exon 10 of the BRCA2 gene. This variant results from an in-frame AAT deletion at nucleotide positions 3835 to 3837. This results in the in-frame deletion of an asparagine at codon 1279. This amino acid position is not well conserved in available vertebrate species. In addition, this alteration is predicted to be deleterious by in silico analysis (Choi Y et al. PLoS ONE. 2012; 7(10):e46688). Since supporting evidence is limited at this time, the clinical significance of this alteration remains unclear.

NM_000059.4(BRCA2):c.3835_3837del (p.Asn1279del)

Gene: BRCA2 (BRCA2 DNA repair associated; plus strand). Cytogenetic location: 13q13.1.
Variant type: Deletion.
Coding change: c.3835_3837del on transcript NM_000059.4 (MANE Select); coding-DNA positions 3835 to 3837, 3 bases deleted (AAT; older notation c.3835_3837delAAT).
Protein change: p.Asn1279del; deletes asparagine 1279.
Molecular consequence: inframe deletion.
Genome position (GRCh38, 1-based): chr13:32,338,190-32,338,192, AAT deleted; deleting any 3 consecutive bases within chr13:32,338,188-32,338,192 gives the same sequence; the c. name uses the placement nearest the transcript's 3' end. VCF-style (leftmost placement, unchanged base first): chr13-32338187-CATA-C. GRCh37 (hg19) VCF-style: chr13-32912324-CATA-C.
Other names: c.3835_3837delAAT (NM_000059.3); short protein forms N1279del.
Identifiers: ClinVar variation 220287 (VCV000220287.11), dbSNP rs864622459, ClinGen allele CA348712.